The following is an entry in ClinVar:

ClinVar aggregate classification (germline): Uncertain significance (1 of 4 stars; one submission).

gnomAD v4.1: 3 of 1,613,492 alleles (0.00019%); highest among the groups gnomAD compares: Non-Finnish European, 0.00025%; no homozygotes.

Submission:

GeneDx
Classification: Uncertain significance. Last evaluated: 2022-04-01. Review status: criteria provided, single submitter. Criteria: GeneDx Variant Classification Process June 2021. Collection method: clinical testing. Allele origin: germline. Affected: yes.
Comment: Not observed at significant frequency in large population cohorts (gnomAD); In silico analysis supports that this missense variant does not alter protein structure/function; Has not been previously published as pathogenic or benign to our knowledge

NM_201253.3(CRB1):c.2123T>A (p.Leu708Gln)

Gene: CRB1 (crumbs cell polarity complex component 1; plus strand). Cytogenetic location: 1q31.3.
Variant type: single nucleotide variant.
Coding change: c.2123T>A on transcript NM_201253.3 (MANE Select); coding-DNA position 2123, T replaced by A.
Protein change: p.Leu708Gln; replaces leucine 708 with glutamine.
Molecular consequence: missense variant. On other transcripts: non-coding transcript variant (2).
Genome position (GRCh38, 1-based): chr1:197,421,951, T>A. VCF-style: chr1-197421951-T-A. GRCh37 (hg19) VCF-style: chr1-197391081-T-A.
Other names: c.1787T>A, p.Leu596Gln (NM_001193640.2); c.1916T>A, p.Leu639Gln (NM_001257965.2); c.2123T>A, p.Leu708Gln (NM_001257966.2); short protein forms L596Q, L639Q, L708Q.
Identifiers: ClinVar variation 1712065 (VCV001712065.2), dbSNP rs1326237908, ClinGen allele CA344034311.